The following is an entry in ClinVar:

NM_025215.6(PUS1):c.666C>T (p.Tyr222=)

Gene: PUS1 (pseudouridine synthase 1; plus strand). Cytogenetic location: 12q24.33.
Variant type: single nucleotide variant.
Coding change: c.666C>T on transcript NM_025215.6 (MANE Select); coding-DNA position 666, C replaced by T.
Protein change: p.Tyr222=; no amino-acid change (tyrosine 222 retained).
Molecular consequence: synonymous variant.
Genome position (GRCh38, 1-based): chr12:131,941,413, C>T. VCF-style: chr12-131941413-C-T. GRCh37 (hg19) VCF-style: chr12-132425958-C-T.
Other names: c.666C>T (NM_025215.5); c.582C>T, p.Tyr194= (NM_001002019.3, NM_001002020.3).
Identifiers: ClinVar variation 1115557 (VCV001115557.11), dbSNP rs200130591, ClinGen allele CA6884215.

ClinVar aggregate classification (germline): Likely benign. Review status: criteria provided, single submitter (1 of 4 stars). 2 submissions from 2 submitters: Likely benign (1). 1 of the submissions does not count toward it. Last evaluated 2026-02-03.

Conditions:
PUS1-related disorder. Also called: PUS1-related condition.

Allele frequency attached by ClinVar (database versions not stated): gnomAD 0.00001; gnomAD exomes 0.00001; TOPMed 0.00001; ExAC 0.00002; 1000 Genomes Project 30x 0.00016; 1000 Genomes Project 0.00020.
gnomAD v4.1: 5 of 1,614,204 alleles (0.00031%); highest among the groups gnomAD compares: Admixed American, 0.0083%; no homozygotes.

Submissions (2):

Labcorp Genetics (formerly Invitae), Labcorp
Classification: Likely benign. Last evaluated: 2026-02-03. Review status: criteria provided, single submitter. Criteria: Invitae Variant Classification Sherloc (09022015). Collection method: clinical testing. Allele origin: germline.

PreventionGenetics, part of Exact Sciences
Classification: Likely benign for PUS1-related condition. Last evaluated: 2019-12-23. Review status: no assertion criteria provided. Collection method: clinical testing. Allele origin: germline. Not counted in ClinVar's aggregate classification.
Comment: This variant is classified as likely benign based on ACMG/AMP sequence variant interpretation guidelines (Richards et al. 2015 PMID: 25741868, with internal and published modifications).